The following is an entry in ClinVar:

ClinVar aggregate classification (germline): Uncertain significance. Review status: criteria provided, single submitter (1 of 4 stars). 2 submissions from 2 submitters: Uncertain significance (1). 1 of the submissions does not count toward it. Last evaluated 2025-05-18.

Conditions:
Tip-toe gait. Also called: Toe walking. Identifiers: MedGen C0427144, HP:0030051.
Dilated cardiomyopathy 1G (CMD1G). Identifiers: Orphanet 154, MedGen C1858763, MONDO:0011400, OMIM 604145.
Autosomal recessive limb-girdle muscular dystrophy type 2J (LGMDR10). Also called: Limb-girdle muscular dystrophy, type 2J; MUSCULAR DYSTROPHY, LIMB-GIRDLE, AUTOSOMAL RECESSIVE 10. Identifiers: Orphanet 140922, MedGen C1837342, MONDO:0012127, OMIM 608807.

Allele frequency attached by ClinVar (database versions not stated): TOPMed below 0.00001; gnomAD exomes below 0.00001.
gnomAD v4.1: 1 of 1,613,696 alleles (0.000062%); highest among the groups gnomAD compares: Non-Finnish European, 0.000085%; no homozygotes.

Submissions (2):

Labcorp Genetics (formerly Invitae), Labcorp
Classification: Uncertain significance for Dilated cardiomyopathy 1G; Autosomal recessive limb-girdle muscular dystrophy type 2J. Last evaluated: 2025-05-18. Review status: criteria provided, single submitter. Criteria: Invitae Variant Classification Sherloc (09022015). Collection method: clinical testing. Allele origin: germline.
Comment: This sequence change replaces isoleucine, which is neutral and non-polar, with valine, which is neutral and non-polar, at codon 34812 of the TTN protein (p.Ile34812Val). This variant is present in population databases (no rsID available, gnomAD 0.0009%). This variant has not been reported in the literature in individuals affected with TTN-related conditions. ClinVar contains an entry for this variant (Variation ID: 1481795). Experimental studies and prediction algorithms are not available or were not evaluated, and the functional significance of this variant is currently unknown. This variant is located in the M band of TTN (PMID: 25589632). Non-truncating variants in this region may be relevant for neuromuscular disorders, but have not been definitively shown to cause cardiomyopathy (PMID: 23975875). In summary, the available evidence is currently insufficient to determine the role of this variant in disease. Therefore, it has been classified as a Variant of Uncertain Significance.

Practice for Gait Abnormalities, David Pomarino, Competency Network Toe Walking C/o Practice Pomarino
Classification: Likely pathogenic for Tip-toe gait. Review status: no assertion criteria provided. Collection method: clinical testing. Allele origin: germline. Affected: yes. Not counted in ClinVar's aggregate classification.
Comment: Myopathy refers to diseases that affect skeletal Muscles. These diseases attack muscle fibers, making muscles weak. Inherited myopathies are often caused by inheriting an abnormal gene mutation from a parent that causes the disease. Symptoms of congenital myopathies usually start at birth or in early childhood, but may not appear until the teen years or even later in adulthood. Congenital myopathies are somewhat unique compared with other inherited myopathies, as weakness typically affects all muscles and is often not progressive. Symptoms are: Muscle weakness, most commonly of upper arms and shoulders and thighs, muscle cramps, stiffness and spasms, fatigue with exertion and lack of energy. Our patients all walk on tiptoe, so they show similar symptoms. When we genetically test them with our toe walking panel, we find that around 90 per cent of them have a genetic variant that explains their toe walking. These can be assigned, for example, to the area of myopathies (such as variants of the COL6A3 gene), the area of hereditary neuropathies (such as variants of the KMT2C gene) or the area of metabolic diseases (such as variants of the PYGM gene). In a smaller group of patients with almost identical symptoms, no abnormality is found in the genes of our panel, but spastic paraplegia can be detected. In another small group of our toe walkers, no abnormalities can be detected in the genes analysed in our toe walking panel, nor do they suffer from spastic paraplegia, as is also the case with healthy children. In contrast to these, however, they show a tiptoe gait. These patients suffer from infantile cerebral palsy, in which toe walking can also be observed.

Literature cited by the submitters: PubMed 25589632 (cited by Labcorp Genetics (formerly Invitae), Labcorp); PubMed 23975875 (cited by Labcorp Genetics (formerly Invitae), Labcorp); PubMed 37091313 (cited by Practice for Gait Abnormalities, David Pomarino, Competency Network Toe Walking C/o Practice Pomarino).

NM_001267550.2(TTN):c.104434A>G (p.Ile34812Val)

Genes: TTN (titin; minus strand), TTN-AS1 (TTN antisense RNA 1; plus strand). Cytogenetic location: 2q31.2.
Variant type: single nucleotide variant.
Coding change: c.104434A>G on transcript NM_001267550.2 (MANE Select); coding-DNA position 104434, A replaced by G.
Protein change: p.Ile34812Val; replaces isoleucine 34812 with valine.
Molecular consequence: missense variant.
Genome position (GRCh38, 1-based): chr2:178,532,181, T>C on the plus strand (A>G on the coding strand, the complement: TTN is on the minus strand). VCF-style: chr2-178532181-T-C. GRCh37 (hg19) VCF-style: chr2-179396908-T-C.
Other names: c.99511A>G, p.Ile33171Val (NM_001256850.1); c.77239A>G, p.Ile25747Val (NM_003319.4); c.96730A>G, p.Ile32244Val (NM_133378.4); c.77614A>G, p.Ile25872Val (NM_133432.3); c.77815A>G, p.Ile25939Val (NM_133437.4); short protein forms I34812V, I25872V, I25747V, I25939V, I33171V, I32244V.
Identifiers: ClinVar variation 1481795 (VCV001481795.9), dbSNP rs1245438198, ClinGen allele CA349411741.